The following is an entry in ClinVar:

NM_001848.3(COL6A1):c.1567G>A (p.Gly523Ser)

Gene: COL6A1 (collagen type VI alpha 1 chain; plus strand). Cytogenetic location: 21q22.3.
Variant type: single nucleotide variant.
Coding change: c.1567G>A on transcript NM_001848.3 (MANE Select); coding-DNA position 1567, G replaced by A.
Protein change: p.Gly523Ser; replaces glycine 523 with serine.
Molecular consequence: missense variant.
Genome position (GRCh38, 1-based): chr21:45,998,163, G>A. VCF-style: chr21-45998163-G-A. GRCh37 (hg19) VCF-style: chr21-47418077-G-A.
Other names: short protein forms G523S.
Identifiers: ClinVar variation 1434802 (VCV001434802.6), dbSNP rs2123483067, ClinGen allele CA410530076.

ClinVar aggregate classification (germline): Uncertain significance (1 of 4 stars; one submission).

Conditions:
Bethlem myopathy 1A. Also called: MYOPATHY, BENIGN CONGENITAL, WITH CONTRACTURES; Bethlem Muscular Dystrophy; Bethlem myopathy 1. Identifiers: Orphanet 610, MedGen CN029274, MONDO:0024530, OMIM 158810.

Allele frequency attached by ClinVar (database versions not stated): gnomAD exomes below 0.00001.
gnomAD v4.1: 3 of 1,612,226 alleles (0.00019%); highest among the groups gnomAD compares: Non-Finnish European, 0.00025%; no homozygotes.

Submission:

Labcorp Genetics (formerly Invitae), Labcorp
Classification: Uncertain significance for Bethlem myopathy 1A. Last evaluated: 2025-11-09. Review status: criteria provided, single submitter. Criteria: Invitae Variant Classification Sherloc (09022015). Collection method: clinical testing. Allele origin: germline.
Comment: This sequence change replaces glycine, which is neutral and non-polar, with serine, which is neutral and polar, at codon 523 of the COL6A1 protein (p.Gly523Ser). This variant is not present in population databases (gnomAD no frequency). This variant has not been reported in the literature in individuals affected with COL6A1-related conditions. ClinVar contains an entry for this variant (Variation ID: 1434802). Invitae Evidence Modeling of protein sequence and biophysical properties (such as structural, functional, and spatial information, amino acid conservation, physicochemical variation, residue mobility, and thermodynamic stability) indicates that this missense variant is expected to disrupt COL6A1 protein function with a positive predictive value of 80%. This variant disrupts the triple helix domain of COL6A1. Glycine residues within the Gly-Xaa-Yaa repeats of the triple helix domain are required for the structure and stability of fibrillar collagens (PMID: 7695699, 8218237, 19344236). In COL6A1, variants at these glycine residues are significantly enriched in individuals with autosomal dominant disease (PMID: 15689448, 24038877) compared to the general population (ExAC). In summary, the available evidence is currently insufficient to determine the role of this variant in disease. Therefore, it has been classified as a Variant of Uncertain Significance.

Literature cited by the submitters: PubMed 7695699; PubMed 8218237; PubMed 19344236; PubMed 15689448; PubMed 24038877.